The following is an entry in ClinVar:

NM_001122630.2(CDKN1C):c.146G>T (p.Arg49Leu)

Gene: CDKN1C (cyclin dependent kinase inhibitor 1C; minus strand). Cytogenetic location: 11p15.4.
Variant type: single nucleotide variant.
Coding change: c.146G>T on transcript NM_001122630.2 (MANE Select); coding-DNA position 146, G replaced by T.
Protein change: p.Arg49Leu; replaces arginine 49 with leucine.
Molecular consequence: missense variant.
Genome position (GRCh38, 1-based): chr11:2,885,311, C>A on the plus strand (G>T on the coding strand, the complement: CDKN1C is on the minus strand). VCF-style: chr11-2885311-C-A. GRCh37 (hg19) VCF-style: chr11-2906541-C-A.
Other names: c.179G>T, p.Arg60Leu (NM_000076.2, NM_001362474.2); c.146G>T, p.Arg49Leu (NM_001122631.2, NM_001362475.2); short protein forms R49L, R60L.
Identifiers: ClinVar variation 2874601 (VCV002874601.3), dbSNP rs758011168, ClinGen allele CA5822229.
Genomic context (GRCh38, chr11:2,885,311, plus strand): 5'-GTCCACTGCAGGCGTCCAGGGCCCCGCAGCGGCATGTCCTGCTGGAAGTCGTAATCCCAG[C>A]GGTTCTGGTCCTCGGCGTTCAGCTCGGCCAGGCGGGCCTGCAGCTCGCGGCTCAGCTCCT-3'
Protein context (NP_001116102.1, residues 39-59): LAELNAEDQN[Arg49Leu]WDYDFQQDMP

ClinVar aggregate classification (germline): Uncertain significance (1 of 4 stars; one submission).

Conditions:
Beckwith-Wiedemann syndrome (BWS). Also called: Exomphalos macroglossia gigantism syndrome; EMG SYNDROME. Identifiers: Orphanet 116, MedGen C0004903, MONDO:0007534, OMIM 130650.

Allele frequency attached by ClinVar (database versions not stated): gnomAD exomes below 0.00001; TOPMed below 0.00001; gnomAD 0.00001; ExAC 0.00002.

Submission:

Labcorp Genetics (formerly Invitae), Labcorp
Classification: Uncertain significance for Beckwith-Wiedemann syndrome. Last evaluated: 2022-11-07. Review status: criteria provided, single submitter. Criteria: Invitae Variant Classification Sherloc (09022015). Collection method: clinical testing. Allele origin: germline.
Comment: In summary, the available evidence is currently insufficient to determine the role of this variant in disease. Therefore, it has been classified as a Variant of Uncertain Significance. Advanced modeling of protein sequence and biophysical properties (such as structural, functional, and spatial information, amino acid conservation, physicochemical variation, residue mobility, and thermodynamic stability) performed at Invitae indicates that this missense variant is not expected to disrupt CDKN1C protein function. This variant has not been reported in the literature in individuals affected with CDKN1C-related conditions. The frequency data for this variant in the population databases is considered unreliable, as metrics indicate poor data quality at this position in the gnomAD database. This sequence change replaces arginine, which is basic and polar, with leucine, which is neutral and non-polar, at codon 60 of the CDKN1C protein (p.Arg60Leu).